The following is an entry in ClinVar:

ClinVar aggregate classification (germline): Uncertain significance. Review status: criteria provided, multiple submitters, no conflicts (2 of 4 stars). 2 submissions from 2 submitters: Uncertain significance (2). Last evaluated 2026-04-10.

Conditions:
Pancreatic adenocarcinoma. Identifiers: MedGen C0281361, MONDO:0006047, HP:0006725.

Submissions (2):

Ambry Genetics
Classification: Uncertain significance. Last evaluated: 2026-04-10. Review status: criteria provided, single submitter. Criteria: Ambry Variant Classification Scheme 2023. Collection method: clinical testing. Allele origin: germline.
Comment: The p.P67T variant (also known as c.199C>A), located in coding exon 1 of the PALLD gene, results from a C to A substitution at nucleotide position 199. The proline at codon 67 is replaced by threonine, an amino acid with highly similar properties. This amino acid position is conserved. In addition, this alteration is predicted to be tolerated by in silico analysis. Based on the available evidence, the clinical significance of this variant remains unclear.

Labcorp Genetics (formerly Invitae), Labcorp
Classification: Uncertain significance for Pancreatic adenocarcinoma. Last evaluated: 2020-10-01. Review status: criteria provided, single submitter. Criteria: Invitae Variant Classification Sherloc (09022015). Collection method: clinical testing. Allele origin: germline.
Comment: This sequence change replaces proline with threonine at codon 67 of the PALLD protein (p.Pro67Thr). The proline residue is weakly conserved and there is a small physicochemical difference between proline and threonine. The frequency data for this variant in the population databases is considered unreliable, as metrics indicate insufficient coverage at this position in the ExAC database. This variant has not been reported in the literature in individuals with PALLD-related conditions. Algorithms developed to predict the effect of missense changes on protein structure and function are either unavailable or do not agree on the potential impact of this missense change (SIFT: "Tolerated"; PolyPhen-2: "Possibly Damaging"; Align-GVGD: "Class C0"). In summary, the available evidence is currently insufficient to determine the role of this variant in disease. Therefore, it has been classified as a Variant of Uncertain Significance.

NM_001166108.2(PALLD):c.1965-12832C>A

Gene: PALLD (palladin, cytoskeletal associated protein; plus strand). Cytogenetic location: 4q32.3.
Variant type: single nucleotide variant.
Coding change: c.1965-12832C>A on transcript NM_001166108.2 (MANE Select); 12832 bases into the intron before coding-DNA position 1965, C replaced by A.
Molecular consequence: intron variant. On other transcripts: missense variant (1).
Genome position (GRCh38, 1-based): chr4:168,878,090, C>A. VCF-style: chr4-168878090-C-A. GRCh37 (hg19) VCF-style: chr4-169799241-C-A.
Other names: c.199C>A, p.Pro67Thr (NM_001166110.2); c.1965-12832C>A (NM_016081.4); c.819-12832C>A (NM_001166109.2); c.-157-12832C>A (NM_001367570.1, NM_001367568.1, NM_001367567.1 and 1 more transcripts); short protein forms P67T.
Identifiers: ClinVar variation 410612 (VCV000410612.10), dbSNP rs1060502975, ClinGen allele CA16611421.